The following is an entry in ClinVar:

NM_001077418.3(TMEM231):c.665-3C>T

Gene: TMEM231 (transmembrane protein 231; minus strand). Cytogenetic location: 16q23.1.
Variant type: single nucleotide variant.
Coding change: c.665-3C>T on transcript NM_001077418.3 (MANE Select); 3 bases into the intron before coding-DNA position 665, C replaced by T.
Molecular consequence: intron variant.
Genome position (GRCh38, 1-based): chr16:75,541,458, G>A on the plus strand (C>T on the coding strand, the complement: TMEM231 is on the minus strand). VCF-style: chr16-75541458-G-A. GRCh37 (hg19) VCF-style: chr16-75575356-G-A.
Other names: c.824-3C>T (NM_001077416.2).
Identifiers: ClinVar variation 1424827 (VCV001424827.4), dbSNP rs780063686, ClinGen allele CA8176076.
Genomic context (GRCh38, chr16:75,541,458, plus strand): 5'-GCATCTGCGGCCCTGCCCACCAGCCAGATGGGGTTGGGATCATTCAGGACGGTGGTAACT[G>A]CAATGCAATCATTAACCATTAACCACGATGGCTGTTTGACTCTGGCAGTTGAAGGCTATA-3'

ClinVar aggregate classification (germline): Uncertain significance. Review status: criteria provided, multiple submitters, no conflicts (2 of 4 stars). 2 submissions from 2 submitters: Uncertain significance (2). Last evaluated 2022-08-10.

Conditions:
Joubert syndrome 20 (JBTS20). Identifiers: Orphanet 475, MedGen C3554235, MONDO:0013994, OMIM 614970.
Meckel syndrome, type 11 (MKS11). Identifiers: Orphanet 564, MedGen C3809352, MONDO:0014164, OMIM 615397.

Allele frequency attached by ClinVar (database versions not stated): gnomAD exomes below 0.00001 and 0.00001; TOPMed below 0.00001; ExAC 0.00002.
gnomAD v4.1: 3 of 1,594,484 alleles (0.00019%); highest among the groups gnomAD compares: Admixed American, 0.0017%; no homozygotes.

Submissions (2):

Blueprint Genetics
Classification: Uncertain significance. Last evaluated: 2022-08-10. Review status: criteria provided, single submitter. Criteria: ACMG Guidelines, 2015. Collection method: clinical testing. Allele origin: germline.

Labcorp Genetics (formerly Invitae), Labcorp
Classification: Uncertain significance for Joubert syndrome 20; Meckel syndrome, type 11. Last evaluated: 2022-08-09. Review status: criteria provided, single submitter. Criteria: Invitae Variant Classification Sherloc (09022015). Collection method: clinical testing. Allele origin: germline.
Comment: This sequence change falls in intron 4 of the TMEM231 gene. It does not directly change the encoded amino acid sequence of the TMEM231 protein. It affects a nucleotide within the consensus splice site. The frequency data for this variant in the population databases is considered unreliable, as metrics indicate poor data quality at this position in the gnomAD database. This variant has not been reported in the literature in individuals affected with TMEM231-related conditions. ClinVar contains an entry for this variant (Variation ID: 1424827). Variants that disrupt the consensus splice site are a relatively common cause of aberrant splicing (PMID: 17576681, 9536098). Algorithms developed to predict the effect of sequence changes on RNA splicing suggest that this variant is not likely to affect RNA splicing. In summary, the available evidence is currently insufficient to determine the role of this variant in disease. Therefore, it has been classified as a Variant of Uncertain Significance.

Literature cited by the submitters: PubMed 17576681 (cited by Labcorp Genetics (formerly Invitae), Labcorp); PubMed 9536098 (cited by Labcorp Genetics (formerly Invitae), Labcorp).